The following is an entry in ClinVar:

NM_022041.4(GAN):c.1362A>G (p.Leu454=)

Gene: GAN (gigaxonin; plus strand). Cytogenetic location: 16q23.2.
Variant type: single nucleotide variant.
Coding change: c.1362A>G on transcript NM_022041.4 (MANE Select); coding-DNA position 1362, A replaced by G.
Protein change: p.Leu454=; no amino-acid change (leucine 454 retained).
Molecular consequence: synonymous variant.
Genome position (GRCh38, 1-based): chr16:81,365,099, A>G. VCF-style: chr16-81365099-A-G. GRCh37 (hg19) VCF-style: chr16-81398704-A-G.
Other names: c.723A>G, p.Leu241= (NM_001377486.1).
Identifiers: ClinVar variation 382397 (VCV000382397.3), dbSNP rs1057521345, ClinGen allele CA16607102.

ClinVar aggregate classification (germline): Likely benign. Review status: criteria provided, multiple submitters, no conflicts (2 of 4 stars). 2 submissions from 2 submitters: Likely benign (2). Last evaluated 2019-07-11.

Conditions:
Inborn genetic diseases. Identifiers: MedGen C0950123, MeSH D030342.

Submissions (2):

Ambry Genetics
Classification: Likely benign for Inborn genetic diseases. Last evaluated: 2019-07-11. Review status: criteria provided, single submitter. Criteria: Ambry Variant Classification Scheme 2023. Collection method: clinical testing. Allele origin: germline.

GeneDx
Classification: Likely benign. Last evaluated: 2016-01-14. Review status: criteria provided, single submitter. Criteria: GeneDx Variant Classification (06012015). Collection method: clinical testing. Allele origin: germline. Affected: yes.
Comment: This variant is considered likely benign or benign based on one or more of the following criteria: it is a conservative change, it occurs at a poorly conserved position in the protein, it is predicted to be benign by multiple in silico algorithms, and/or has population frequency not consistent with disease.